The following is an entry in ClinVar:

ClinVar aggregate classification (germline): Uncertain significance (1 of 4 stars; one submission).

Conditions:
Inborn genetic diseases. Identifiers: MedGen C0950123, MeSH D030342.

Submission:

Ambry Genetics
Classification: Uncertain significance for Inborn genetic diseases. Last evaluated: 2024-12-12. Review status: criteria provided, single submitter. Criteria: Ambry Variant Classification Scheme 2023. Collection method: clinical testing. Allele origin: germline.
Comment: The p.A469G variant (also known as c.1406C>G), located in coding exon 15 of the FANCA gene, results from a C to G substitution at nucleotide position 1406. The alanine at codon 469 is replaced by glycine, an amino acid with similar properties. This amino acid position is conserved. In addition, the in silico prediction for this alteration is inconclusive. Based on the available evidence, the clinical significance of this variant remains unclear.

NM_000135.4(FANCA):c.1406C>G (p.Ala469Gly)

Gene: FANCA (FA complementation group A; minus strand). Cytogenetic location: 16q24.3.
Variant type: single nucleotide variant.
Coding change: c.1406C>G on transcript NM_000135.4 (MANE Select); coding-DNA position 1406, C replaced by G.
Protein change: p.Ala469Gly; replaces alanine 469 with glycine.
Molecular consequence: missense variant.
Genome position (GRCh38, 1-based): chr16:89,784,918, G>C on the plus strand (C>G on the coding strand, the complement: FANCA is on the minus strand). VCF-style: chr16-89784918-G-C. GRCh37 (hg19) VCF-style: chr16-89851326-G-C.
Other names: c.1406C>G, p.Ala469Gly (NM_001286167.3); short protein forms A469G.
Identifiers: ClinVar variation 3848017 (VCV003848017.1).